The following is an entry in ClinVar:

NM_025114.4(CEP290):c.6875G>C (p.Ser2292Thr)

Gene: CEP290 (centrosomal protein 290; minus strand). Cytogenetic location: 12q21.32.
Variant type: single nucleotide variant.
Coding change: c.6875G>C on transcript NM_025114.4 (MANE Select); coding-DNA position 6875, G replaced by C.
Protein change: p.Ser2292Thr; replaces serine 2292 with threonine.
Molecular consequence: missense variant.
Genome position (GRCh38, 1-based): chr12:88,055,661, C>G on the plus strand (G>C on the coding strand, the complement: CEP290 is on the minus strand). VCF-style: chr12-88055661-C-G. GRCh37 (hg19) VCF-style: chr12-88449438-C-G.
Other names: c.6875G>C (NM_025114.3); short protein forms S2292T.
Identifiers: ClinVar variation 2152791 (VCV002152791.5), dbSNP rs1241998041, ClinGen allele CA385976500.

ClinVar aggregate classification (germline): Uncertain significance. Review status: criteria provided, multiple submitters, no conflicts (2 of 4 stars). 2 submissions from 2 submitters: Uncertain significance (2). Last evaluated 2026-09-21.

Conditions:
CEP290-related disorder. Also called: CEP290-related disorders; CEP290-related condition. Identifiers: MedGen CN239314.
Joubert syndrome. Also called: JOUBERT-BOLTSHAUSER SYNDROME; Familial aplasia of the vermis. Identifiers: Orphanet 475, MedGen C5979921, MONDO:0018772.
Nephronophthisis. Also called: Juvenile Nephronophthisis. Identifiers: Orphanet 655, MedGen C0687120, MONDO:0019005, HP:0000090.
Meckel-Gruber syndrome. Also called: DYSENCEPHALIA SPLANCHNOCYSTICA; GRUBER SYNDROME; Dysencephalia splachnocystica. Identifiers: Orphanet 564, MedGen C0265215, MONDO:0018921.

Allele frequency attached by ClinVar (database versions not stated): gnomAD exomes below 0.00001.
gnomAD v4.1: 6 of 1,557,588 alleles (0.00039%); highest among the groups gnomAD compares: Non-Finnish European, 0.00052%; no homozygotes.

Submissions (2):

PreventionGenetics, part of Exact Sciences
Classification: Uncertain significance for CEP290-related condition. Last evaluated: 2026-09-21. Review status: criteria provided, single submitter. Criteria: ACMG Guidelines, 2015. Collection method: clinical testing. Allele origin: germline.
Comment: The CEP290 c.6875G>C variant is predicted to result in the amino acid substitution p.Ser2292Thr. To our knowledge, this variant has not been reported in the literature. This variant is reported in 0.0013% of alleles in individuals of European (Non-Finnish) descent in gnomAD. At this time, the clinical significance of this variant is uncertain due to the absence of conclusive functional and genetic evidence.

Labcorp Genetics (formerly Invitae), Labcorp
Classification: Uncertain significance for Joubert syndrome; Meckel-Gruber syndrome; Nephronophthisis. Last evaluated: 2025-03-31. Review status: criteria provided, single submitter. Criteria: Invitae Variant Classification Sherloc (09022015). Collection method: clinical testing. Allele origin: germline.
Comment: This sequence change replaces serine, which is neutral and polar, with threonine, which is neutral and polar, at codon 2292 of the CEP290 protein (p.Ser2292Thr). The frequency data for this variant in the population databases is considered unreliable, as metrics indicate poor data quality at this position in the gnomAD database. This variant has not been reported in the literature in individuals affected with CEP290-related conditions. ClinVar contains an entry for this variant (Variation ID: 2152791). An algorithm developed to predict the effect of missense changes on protein structure and function outputs the following: PolyPhen-2: "Benign". The threonine amino acid residue is found in multiple mammalian species, which suggests that this missense change does not adversely affect protein function. In summary, the available evidence is currently insufficient to determine the role of this variant in disease. Therefore, it has been classified as a Variant of Uncertain Significance.